The following is an entry in ClinVar:

NM_002519.3(NPAT):c.2556G>T (p.Leu852Phe)

Gene: NPAT (nuclear protein, coactivator of histone transcription; minus strand). Cytogenetic location: 11q22.3.
Variant type: single nucleotide variant.
Coding change: c.2556G>T on transcript NM_002519.3 (MANE Select); coding-DNA position 2556, G replaced by T.
Protein change: p.Leu852Phe; replaces leucine 852 with phenylalanine.
Molecular consequence: missense variant.
Genome position (GRCh38, 1-based): chr11:108,172,428, C>A on the plus strand (G>T on the coding strand, the complement: NPAT is on the minus strand). VCF-style: chr11-108172428-C-A. GRCh37 (hg19) VCF-style: chr11-108043155-C-A.
Other names: c.2556G>T, p.Leu852Phe (NM_001321307.1); short protein forms L852F.
Identifiers: ClinVar variation 1793020 (VCV001793020.2), dbSNP rs1052196249, ClinGen allele CA382512725.

ClinVar aggregate classification (germline): Uncertain significance (1 of 4 stars; one submission).

gnomAD v4.1: 1 of 1,614,184 alleles (0.000062%); highest among the groups gnomAD compares: Non-Finnish European, 0.000085%; no homozygotes.

Submission:

Ambry Genetics
Classification: Uncertain significance. Last evaluated: 2022-07-13. Review status: criteria provided, single submitter. Criteria: Ambry Variant Classification Scheme 2023. Collection method: clinical testing. Allele origin: germline.
Comment: The p.L852F variant (also known as c.2556G>T), located in coding exon 13 of the NPAT gene, results from a G to T substitution at nucleotide position 2556. The leucine at codon 852 is replaced by phenylalanine, an amino acid with highly similar properties. This amino acid position is conserved. In addition, this alteration is predicted to be tolerated by in silico analysis. Since supporting evidence is limited at this time, the clinical significance of this alteration remains unclear.